The following is an entry in ClinVar:

ClinVar aggregate classification (germline): Likely benign. Review status: criteria provided, multiple submitters, no conflicts (2 of 4 stars). 2 submissions from 2 submitters: Likely benign (2). Last evaluated 2026-01-01.

gnomAD v4.1: 36 of 1,171,233 alleles (0.0031%); highest among the groups gnomAD compares: Middle Eastern, 0.69%; no homozygotes.

Submissions (2):

CeGaT Center for Human Genetics Tuebingen
Classification: Likely benign. Last evaluated: 2026-01-01. Review status: criteria provided, single submitter. Criteria: CeGaT Center For Human Genetics Tuebingen Variant Classification Criteria Version 2. Collection method: clinical testing. Allele origin: germline. Affected: yes. Observed: 2 variant alleles.
Comment: CNKSR2: BP4, BP7, BS2

Blueprint Genetics
Classification: Likely benign. Last evaluated: 2024-02-29. Review status: criteria provided, single submitter. Criteria: ACMG Guidelines, 2015. Collection method: clinical testing. Allele origin: germline.

NM_014927.5(CNKSR2):c.765A>G (p.Lys255=)

Gene: CNKSR2 (connector enhancer of kinase suppressor of Ras 2; plus strand). Cytogenetic location: Xp22.12.
Variant type: single nucleotide variant.
Coding change: c.765A>G on transcript NM_014927.5 (MANE Select); coding-DNA position 765, A replaced by G.
Protein change: p.Lys255=; no amino-acid change (lysine 255 retained).
Molecular consequence: synonymous variant.
Genome position (GRCh38, 1-based): chrX:21,501,543, A>G. VCF-style: chrX-21501543-A-G. GRCh37 (hg19) VCF-style: chrX-21519661-A-G.
Other names: c.765A>G, p.Lys255= (NM_001168647.3, NM_001168648.3, NM_001168649.3 and 4 more transcripts).
Identifiers: ClinVar variation 3771180 (VCV003771180.14).